The following is an entry in ClinVar:

NM_001723.7(DST):c.4016C>T (p.Pro1339Leu)

Gene: DST (dystonin; minus strand). Cytogenetic location: 6p12.1.
Variant type: single nucleotide variant.
Coding change: c.4016C>T on transcript NM_001723.7 (MANE Plus Clinical); coding-DNA position 4016, C replaced by T.
Protein change: p.Pro1339Leu; replaces proline 1339 with leucine.
Molecular consequence: missense variant. On other transcripts: intron variant (10).
Genome position (GRCh38, 1-based): chr6:56,620,018, G>A on the plus strand (C>T on the coding strand, the complement: DST is on the minus strand). VCF-style: chr6-56620018-G-A. GRCh37 (hg19) VCF-style: chr6-56484816-G-A.
Other names: c.4929+4512C>T (NM_001374736.1, NM_001374722.1); c.4956+4512C>T (NM_001374734.1); c.4416+4512C>T (NM_001144770.2); c.4296+4512C>T (NM_001374730.1, NM_001386100.1, NM_183380.4 and 1 more transcripts); c.3318+4512C>T (NM_015548.5); c.4830+4512C>T (NM_001144769.5); short protein forms P1339L.
Identifiers: ClinVar variation 954241 (VCV000954241.8), dbSNP rs2098673335, ClinGen allele CA364570604.

ClinVar aggregate classification (germline): Uncertain significance (1 of 4 stars; one submission).

Conditions:
Hereditary sensory and autonomic neuropathy type 6. Also called: Neuropathy, hereditary sensory and autonomic, type VI; HSAN VI. Identifiers: Orphanet 314381, MedGen C3539003, MONDO:0013839, OMIM 614653.
Epidermolysis bullosa simplex 3, localized or generalized intermediate, with BP230 deficiency (EBS3). Also called: Epidermolysis bullosa simplex due to BP230 deficiency; Epidermolysis bullosa simplex, autosomal recessive 2. Identifiers: Orphanet 412181, MedGen C3809470, MONDO:0014180, OMIM 615425.

Allele frequency attached by ClinVar (database versions not stated): TOPMed below 0.00001.
gnomAD v4.1: 2 of 1,613,862 alleles (0.00012%); highest among the groups gnomAD compares: Non-Finnish European, 0.00017%; no homozygotes.

Submission:

Labcorp Genetics (formerly Invitae), Labcorp
Classification: Uncertain significance for Epidermolysis bullosa simplex 3, localized or generalized intermediate, with BP230 deficiency; Hereditary sensory and autonomic neuropathy type 6. Last evaluated: 2019-07-05. Review status: criteria provided, single submitter. Criteria: Invitae Variant Classification Sherloc (09022015). Collection method: clinical testing. Allele origin: germline.
Comment: In summary, the available evidence is currently insufficient to determine the role of this variant in disease. Therefore, it has been classified as a Variant of Uncertain Significance. Algorithms developed to predict the effect of missense changes on protein structure and function are either unavailable or do not agree on the potential impact of this missense change (SIFT: "Tolerated"; PolyPhen-2: "Benign"; Align-GVGD: "Class C35"). This variant has not been reported in the literature in individuals with DST-related conditions. This variant is not present in population databases (ExAC no frequency). This sequence change replaces proline with leucine at codon 1339 of the DST protein (p.Pro1339Leu). The proline residue is weakly conserved and there is a moderate physicochemical difference between proline and leucine.